The following is an entry in ClinVar:

ClinVar aggregate classification (germline): Uncertain significance (1 of 4 stars; one submission).

gnomAD v4.1: 3 of 1,602,592 alleles (0.00019%); highest among the groups gnomAD compares: South Asian, 0.0022%; no homozygotes.

Submission:

Labcorp Genetics (formerly Invitae), Labcorp
Classification: Uncertain significance. Last evaluated: 2024-11-04. Review status: criteria provided, single submitter. Criteria: Invitae Variant Classification Sherloc (09022015). Collection method: clinical testing. Allele origin: germline.
Comment: This sequence change falls in intron 9 of the NLRP1 gene. It does not directly change the encoded amino acid sequence of the NLRP1 protein. It affects a nucleotide within the consensus splice site. This variant is present in population databases (rs564512552, gnomAD 0.007%). This variant has not been reported in the literature in individuals affected with NLRP1-related conditions. Variants that disrupt the consensus splice site are a relatively common cause of aberrant splicing (PMID: 17576681, 9536098). Algorithms developed to predict the effect of sequence changes on RNA splicing suggest that this variant is not likely to affect RNA splicing. In summary, the available evidence is currently insufficient to determine the role of this variant in disease. Therefore, it has been classified as a Variant of Uncertain Significance.

Literature cited by the submitters: PubMed 17576681; PubMed 9536098.

NM_033004.4(NLRP1):c.3052+4G>A

Gene: NLRP1 (NLR family pyrin domain containing 1; minus strand). Cytogenetic location: 17p13.2.
Variant type: single nucleotide variant.
Coding change: c.3052+4G>A on transcript NM_033004.4 (MANE Select); 4 bases into the intron after coding-DNA position 3052, G replaced by A.
Molecular consequence: intron variant.
Genome position (GRCh38, 1-based): chr17:5,533,893, C>T on the plus strand (G>A on the coding strand, the complement: NLRP1 is on the minus strand). VCF-style: chr17-5533893-C-T. GRCh37 (hg19) VCF-style: chr17-5437213-C-T.
Other names: c.3052+4G>A (NM_001033053.3, NM_014922.5); c.2962+4G>A (NM_033007.4, NM_033006.4).
Identifiers: ClinVar variation 3618079 (VCV003618079.2).